The following is an entry in ClinVar:

NM_000059.4(BRCA2):c.3del (p.Met1fs)

Gene: BRCA2 (BRCA2 DNA repair associated; plus strand). Cytogenetic location: 13q13.1.
Variant type: Deletion.
Coding change: c.3del on transcript NM_000059.4 (MANE Select); coding-DNA position 3, one base deleted (G; older notation c.3delG).
Protein change: p.Met1fs; shifts the reading frame from methionine 1.
Molecular consequence: frameshift variant, initiator codon variant.
Genome position (GRCh38, 1-based): chr13:32,316,463, G deleted. VCF-style (leftmost placement, unchanged base first): chr13-32316462-TG-T. GRCh37 (hg19) VCF-style: chr13-32890599-TG-T.
Other names: 231delG; c.3delG (NM_000059.3).
Identifiers: ClinVar variation 37872 (VCV000037872.21), dbSNP rs80359418, ClinGen allele CA019358.

ClinVar aggregate classification (germline): Pathogenic. Review status: criteria provided, multiple submitters, no conflicts (2 of 4 stars). 6 submissions from 6 submitters: Pathogenic (4). 2 of the submissions do not count toward it. Last evaluated 2025-10-23.

Conditions:
Hereditary cancer-predisposing syndrome. Also called: Tumor predisposition; Neoplastic Syndromes, Hereditary; Hereditary neoplastic syndrome; Hereditary Cancer Syndrome. Identifiers: Orphanet 140162, MedGen C0027672, MeSH D009386, MONDO:0015356.
Hereditary breast ovarian cancer syndrome. Also called: Hereditary breast and ovarian cancer; Hereditary breast and ovarian cancer syndrome (HBOC); Hereditary breast and/or ovarian cancer syndrome; Breast and ovarian cancer; Hereditary breast and ovarian cancer syndrome; BRCA1- and BRCA2-Associated Hereditary Breast and Ovarian Cancer. Identifiers: Orphanet 145, MedGen C0677776, MeSH D061325, MONDO:0003582. Disease mechanism: loss of function.
Breast-ovarian cancer, familial, susceptibility to, 2 (BROVCA2). Also called: BRCA2 Hereditary Breast and Ovarian Cancer. Identifiers: Orphanet 145, MedGen C2675520, MONDO:0012933, OMIM 612555. Disease mechanism: loss of function.
Familial cancer of breast. Also called: Hereditary breast cancer; BREAST CANCER, FAMILIAL; hereditary breast carcinoma. Identifiers: Orphanet 227535, MedGen C0346153, MONDO:0016419, OMIM 114480. Disease mechanism: loss of function.

Submissions (6):

Labcorp Genetics (formerly Invitae), Labcorp
Classification: Pathogenic for Hereditary breast ovarian cancer syndrome. Last evaluated: 2025-10-23. Review status: criteria provided, single submitter. Criteria: Invitae Variant Classification Sherloc (09022015). Collection method: clinical testing. Allele origin: germline.
Comment: This sequence change affects the initiator codon of the BRCA2 mRNA. This change may impact translation initiation or efficiency. The next in-frame methionine is located at codon 124. This variant is not present in population databases (gnomAD no frequency). Disruption of the initiator codon has been observed in individual(s) with colorectal cancer (PMID: 29478780). ClinVar contains an entry for this variant (Variation ID: 37872). This variant disrupts a region of the BRCA2 protein in which other variant(s) (p.Trp31Cys) have been determined to be pathogenic (PMID: 22678057; internal data). This suggests that this is a clinically significant region of the protein, and that variants that disrupt it are likely to be disease-causing. For these reasons, this variant has been classified as Pathogenic.

MGZ Medical Genetics Center
Classification: Pathogenic for Familial cancer of breast. Last evaluated: 2022-04-06. Review status: criteria provided, single submitter. Criteria: ACMG Guidelines, 2015. Collection method: clinical testing. Allele origin: germline. Affected: yes. Observed: 2 variant alleles.
Comment: ACMG criteria applied: PS1, PP1_STR, PVS1_MOD, PM2_SUP

Ambry Genetics
Classification: Pathogenic for Hereditary cancer-predisposing syndrome. Last evaluated: 2017-03-16. Review status: criteria provided, single submitter. Criteria: Ambry Variant Classification Scheme 2023. Collection method: clinical testing. Allele origin: germline.
Comment: The c.3delG pathogenic mutation, located in coding exon 1 of the BRCA2 gene, results from a deletion of one nucleotide (G) at nucleotide position 3. This alters the methionine residue at the initiation codon (p.M1?). While this specific alteration has not been reported in the literature to date, several other missense mutations (c.2T>G, c.3G>A, and c.2T>C) that alter the methionine residue at the initiation codon in BRCA2 (p.M1?) have been reported in breast and/or ovarian cancer families (Santos C et al. J Mol Diagn 2014 May;16(3):324-34; Thomassen M, Breast Cancer Res. Treat. 2012 Apr; 132(3):1009-23; Jakubowska, A et al. Eur J Hum Genet. 2003 Dec;11(12):955-8; Ambry internal data). Since sequence variations that modify the initiation codon (ATG) are expected to result in either loss of translation initiation, N-terminal truncation, or cause a shift in the mRNA reading frame, the c.3delG alteration is interpreted as a disease-causing mutation.

Consortium of Investigators of Modifiers of BRCA1/2 (CIMBA), c/o University of Cambridge
Classification: Pathogenic for Breast-ovarian cancer, familial, susceptibility to, 2. Last evaluated: 2015-10-02. Review status: criteria provided, single submitter. Criteria: CIMBA Mutation Classification guidelines May 2016. Collection method: clinical testing. Allele origin: germline.

Sharing Clinical Reports Project (SCRP)
Classification: Pathogenic for Breast-ovarian cancer, familial 2. Last evaluated: 2012-01-26. Review status: no assertion criteria provided. Collection method: clinical testing. Allele origin: germline. Not counted in ClinVar's aggregate classification.

Breast Cancer Information Core (BIC) (BRCA2)
Classification: Pathogenic for Breast-ovarian cancer, familial 2. Last evaluated: 2003-12-23. Review status: no assertion criteria provided. Collection method: clinical testing. Allele origin: germline. Affected: yes. Observed: 1 variant allele. Not counted in ClinVar's aggregate classification.

Literature cited by the submitters: PubMed 29478780 (cited by Labcorp Genetics (formerly Invitae), Labcorp); PubMed 22678057 (cited by Labcorp Genetics (formerly Invitae), Labcorp); PubMed 24302565 (cited by Ambry Genetics).